The following is an entry in ClinVar:

ClinVar aggregate classification (germline): Likely benign. Review status: criteria provided, multiple submitters, no conflicts (2 of 4 stars). 2 submissions from 2 submitters: Likely benign (2). Last evaluated 2025-04-01.

Allele frequency attached by ClinVar (database versions not stated): ESP Exome Variant Server 0.00008; gnomAD 0.00011.
gnomAD v4.1: 274 of 1,612,496 alleles (0.017%); highest among the groups gnomAD compares: Non-Finnish European, 0.022%; 1 homozygote.

Submissions (2):

Labcorp Genetics (formerly Invitae), Labcorp
Classification: Likely benign. Last evaluated: 2025-04-01. Review status: criteria provided, single submitter. Criteria: Invitae Variant Classification Sherloc (09022015). Collection method: clinical testing. Allele origin: germline.

CeGaT Center for Human Genetics Tuebingen
Classification: Likely benign. Last evaluated: 2023-12-01. Review status: criteria provided, single submitter. Criteria: CeGaT Center For Human Genetics Tuebingen Variant Classification Criteria Version 2. Collection method: clinical testing. Allele origin: germline. Affected: yes. Observed: 1 variant allele.
Comment: ILDR1: BP4, BP7

NM_001199799.2(ILDR1):c.486G>A (p.Lys162=)

Gene: ILDR1 (immunoglobulin like domain containing receptor 1; minus strand). Cytogenetic location: 3q13.33.
Variant type: single nucleotide variant.
Coding change: c.486G>A on transcript NM_001199799.2 (MANE Select); coding-DNA position 486, G replaced by A.
Protein change: p.Lys162=; no amino-acid change (lysine 162 retained).
Molecular consequence: synonymous variant. On other transcripts: intron variant (1).
Genome position (GRCh38, 1-based): chr3:122,001,758, C>T on the plus strand (G>A on the coding strand, the complement: ILDR1 is on the minus strand). VCF-style: chr3-122001758-C-T. GRCh37 (hg19) VCF-style: chr3-121720605-C-T.
Other names: c.486G>A, p.Lys162= (NM_175924.4); c.379+3486G>A (NM_001199800.2).
Identifiers: ClinVar variation 2722516 (VCV002722516.25), dbSNP rs142554264, ClinGen allele CA2568913.